The following is an entry in ClinVar:

NM_000540.3(RYR1):c.8232-1G>A

Gene: RYR1 (ryanodine receptor 1; plus strand). Cytogenetic location: 19q13.2.
Variant type: single nucleotide variant.
Coding change: c.8232-1G>A on transcript NM_000540.3 (MANE Select); the canonical splice acceptor site of the intron before coding-DNA position 8232, G replaced by A.
Molecular consequence: splice acceptor variant.
Genome position (GRCh38, 1-based): chr19:38,505,002, G>A. VCF-style: chr19-38505002-G-A. GRCh37 (hg19) VCF-style: chr19-38995642-G-A.
Other names: c.8232-1G>A (NM_001042723.2).
Identifiers: ClinVar variation 2162262 (VCV002162262.4), dbSNP rs1355781735, ClinGen allele CA405677060.

ClinVar aggregate classification (germline): Conflicting classifications of pathogenicity. Review status: criteria provided, conflicting classifications (1 of 4 stars). 2 submissions from 2 submitters: Likely pathogenic (1); Uncertain significance (1). Last evaluated 2026-01-16.

Conditions:
Malignant hyperthermia, susceptibility to, 1 (MHS1). Also called: RYR1-Related Malignant Hyperthermia Susceptibility; Malignant hyperthermia suceptibility 1; Anesthesia related hyperthermia; Malignant hyperpyrexia; Fulminating hyperpyrexia; Pharmacogenic myopathy. Identifiers: Orphanet 423, MedGen C2930980, MONDO:0007783, OMIM 145600.
RYR1-related disorder. Also called: RYR1-related condition; RYR1-related disorders. Identifiers: MedGen CN239331.

Allele frequency attached by ClinVar (database versions not stated): TOPMed below 0.00001; gnomAD 0.00001.
gnomAD v4.1: 3 of 1,614,078 alleles (0.00019%); highest among the groups gnomAD compares: Non-Finnish European, 0.00025%; no homozygotes.

Submissions (2):

Labcorp Genetics (formerly Invitae), Labcorp
Classification: Likely pathogenic for RYR1-related disorder. Last evaluated: 2026-01-16. Review status: criteria provided, single submitter. Criteria: Invitae Variant Classification Sherloc (09022015). Collection method: clinical testing. Allele origin: germline.
Comment: This sequence change affects an acceptor splice site in intron 51 of the RYR1 gene. It is expected to disrupt RNA splicing. Variants that disrupt the donor or acceptor splice site typically lead to a loss of protein function (PMID: 16199547), and loss-of-function variants in RYR1 are known to be pathogenic (PMID: 23919265, 25960145, 28818389, 30611313). This variant is not present in population databases (gnomAD no frequency). This variant has not been reported in the literature in individuals affected with RYR1-related conditions. ClinVar contains an entry for this variant (Variation ID: 2162262). Algorithms developed to predict the effect of sequence changes on RNA splicing suggest that this variant may disrupt the consensus splice site. In summary, the currently available evidence indicates that the variant is pathogenic, but additional data are needed to prove that conclusively. Therefore, this variant has been classified as Likely Pathogenic.

Color Diagnostics, LLC DBA Color Health
Classification: Uncertain significance for Malignant hyperthermia, susceptibility to, 1. Last evaluated: 2025-06-24. Review status: criteria provided, single submitter. Criteria: ACMG Guidelines, 2015. Collection method: clinical testing. Allele origin: germline.
Comment: This variant causes a G to A nucleotide substitution at the -1 position of intron 51 in the RYR1 protein. To our knowledge, RNA studies have not been reported for this variant. This variant has not been reported in individuals affected with autosomal dominant malignant hyperthermia. This variant has not been identified in the general population by the Genome Aggregation Database (gnomAD). Loss of RYR1 function due to disruption of canonical splice sites is not an established disease mechanism for autosomal dominant malignant hyperthermia, although it is associated with other phenotype(s) (ClinVar Variation ID: 2162262). Therefore, this variant is classified as a Variant of Uncertain Significance for autosomal dominant malignant hyperthermia.

Literature cited by the submitters: PubMed 16199547 (cited by Labcorp Genetics (formerly Invitae), Labcorp); PubMed 23919265 (cited by Labcorp Genetics (formerly Invitae), Labcorp); PubMed 25960145 (cited by Labcorp Genetics (formerly Invitae), Labcorp); PubMed 28818389 (cited by Labcorp Genetics (formerly Invitae), Labcorp); PubMed 30611313 (cited by Labcorp Genetics (formerly Invitae), Labcorp).